The following is an entry in ClinVar:

NM_181523.3(PIK3R1):c.1746-2A>T

Gene: PIK3R1 (phosphoinositide-3-kinase regulatory subunit 1; plus strand). Cytogenetic location: 5q13.1.
Variant type: single nucleotide variant.
Coding change: c.1746-2A>T on transcript NM_181523.3 (MANE Select); the canonical splice acceptor site of the intron before coding-DNA position 1746, A replaced by T.
Molecular consequence: splice acceptor variant.
Genome position (GRCh38, 1-based): chr5:68,295,418, A>T. VCF-style: chr5-68295418-A-T. GRCh37 (hg19) VCF-style: chr5-67591246-A-T.
Other names: c.846-2A>T (NM_181524.2); c.936-2A>T (NM_181504.4); c.657-2A>T (NM_001242466.2).
Identifiers: ClinVar variation 3774527 (VCV003774527.1).

ClinVar aggregate classification (germline): Pathogenic (1 of 4 stars; one submission).

Conditions:
Vascular malformation. Also called: Vascular malformations. Identifiers: MedGen C0158570, MONDO:0024291.

Submission:

Clinical Genomics Laboratory, Washington University in St. Louis
Classification: Pathogenic for Vascular malformation. Last evaluated: 2024-12-21. Review status: criteria provided, single submitter. Criteria: Leon-Quintero et al. (Clin Genet. 2025). Collection method: clinical testing. Allele origin: somatic. Affected: yes.
Comment: A PIK3R1 c.1746-2A>T variant was identified at an allelic fraction consistent with somatic origin. This variant has been reported in the literature in an individual with extensive capillary malformation (Wilke MVMB et al., PMID: 37641480). It is absent from the general population (gnomAD v.4.1.0), indicating it is not a common variant. The PIK3R1 c.1746-2A>T variant resides within a region, the iSH2 domain, of PIK3R1 that is defined as a critical functional domain (Cottrell CE et al, PMID: 34040190). Computational predictors indicate that this variant would alter splicing, evidence that correlates to an impact of this variant on PIK3R1 function. This variant occurs within the canonical splice acceptor site, which is predicted to cause skipping of the exon, leading to an in-frame transcript. Based on available information and an internally developed protocol informed by the ACMG/AMP guidelines for variant interpretation and gene-specific practices from the ClinGen Criteria Specification Registry (Leon-Quintero FZ et al., PMID: 39434542), the PIK3R1 c.1746-2A>T variant is classified as pathogenic.